The following is an entry in ClinVar:

NM_014391.3(ANKRD1):c.99T>G (p.Tyr33Ter)

Gene: ANKRD1 (ankyrin repeat domain 1; minus strand). Cytogenetic location: 10q23.31.
Variant type: single nucleotide variant.
Coding change: c.99T>G on transcript NM_014391.3 (MANE Select); coding-DNA position 99, T replaced by G.
Protein change: p.Tyr33Ter; replaces tyrosine 33 with a stop codon.
Molecular consequence: nonsense.
Genome position (GRCh38, 1-based): chr10:90,920,277, A>C on the plus strand (T>G on the coding strand, the complement: ANKRD1 is on the minus strand). VCF-style: chr10-90920277-A-C. GRCh37 (hg19) VCF-style: chr10-92680034-A-C.
Other names: short protein forms Y33*.
Identifiers: ClinVar variation 1768904 (VCV001768904.2), dbSNP rs2492962826, ClinGen allele CA377553932.

ClinVar aggregate classification (germline): Uncertain significance (1 of 4 stars; one submission).

Conditions:
Cardiovascular phenotype. Identifiers: MedGen CN230736.

Submission:

Ambry Genetics
Classification: Uncertain significance for Cardiovascular phenotype. Last evaluated: 2022-07-19. Review status: criteria provided, single submitter. Criteria: Ambry Variant Classification Scheme 2023. Collection method: clinical testing. Allele origin: germline.
Comment: The p.Y33* variant (also known as c.99T>G), located in coding exon 2 of the ANKRD1 gene, results from a T to G substitution at nucleotide position 99. This changes the amino acid from a tyrosine to a stop codon within coding exon 2. This alteration is expected to result in loss of function by premature protein truncation or nonsense-mediated mRNA decay. However, the evidence for this gene-disease relationship is limited; therefore, the clinical significance of this alteration is unclear.